The following is an entry in ClinVar:

NM_005002.5(NDUFA9):c.1130T>C (p.Ile377Thr)

Gene: NDUFA9 (NADH:ubiquinone oxidoreductase subunit A9; plus strand). Cytogenetic location: 12p13.32.
Variant type: single nucleotide variant.
Coding change: c.1130T>C on transcript NM_005002.5 (MANE Select); coding-DNA position 1130, T replaced by C.
Protein change: p.Ile377Thr; replaces isoleucine 377 with threonine.
Molecular consequence: missense variant.
Genome position (GRCh38, 1-based): chr12:4,687,104, T>C. VCF-style: chr12-4687104-T-C. GRCh37 (hg19) VCF-style: chr12-4796270-T-C.
Other names: short protein forms I377T.
Identifiers: ClinVar variation 3343277 (VCV003343277.1).

ClinVar aggregate classification (germline): Uncertain significance (1 of 4 stars; one submission).

Submission:

GeneDx
Classification: Uncertain significance. Last evaluated: 2023-05-04. Review status: criteria provided, single submitter. Criteria: GeneDx Variant Classification Process June 2021. Collection method: clinical testing. Allele origin: germline. Affected: yes.
Comment: Not observed at significant frequency in large population cohorts (gnomAD); In silico analysis supports that this missense variant does not alter protein structure/function; Has not been previously published as pathogenic or benign to our knowledge